The following is an entry in ClinVar:

ClinVar aggregate classification (germline): Conflicting classifications of pathogenicity. Review status: criteria provided, conflicting classifications (1 of 4 stars). 4 submissions from 3 submitters: Uncertain significance (2); Likely benign (1). 1 of the submissions does not count toward it. Last evaluated 2025-10-05.

Conditions:
MKS1-related disorder. Also called: MKS1-related condition; MKS1-related disorders. Identifiers: MedGen CN239382.
Bardet-Biedl syndrome 13 (BBS13). Identifiers: Orphanet 110, MedGen C2673873, MONDO:0014441, OMIM 615990.
Meckel-Gruber syndrome. Also called: DYSENCEPHALIA SPLANCHNOCYSTICA; GRUBER SYNDROME; Dysencephalia splachnocystica. Identifiers: Orphanet 564, MedGen C0265215, MONDO:0018921.
Joubert syndrome. Also called: JOUBERT-BOLTSHAUSER SYNDROME; Familial aplasia of the vermis. Identifiers: Orphanet 475, MedGen C5979921, MONDO:0018772.
Meckel syndrome, type 1 (MKS1). Also called: MECKEL-GRUBER SYNDROME, TYPE 1. Identifiers: Orphanet 564, MedGen C3714506, MONDO:0009571, OMIM 249000.

Allele frequency attached by ClinVar (database versions not stated): gnomAD exomes 0.00001; TOPMed 0.00001.

Submissions (4):

Labcorp Genetics (formerly Invitae), Labcorp
Classification: Likely benign for Joubert syndrome; Meckel-Gruber syndrome. Last evaluated: 2025-10-05. Review status: criteria provided, single submitter. Criteria: Invitae Variant Classification Sherloc (09022015). Collection method: clinical testing. Allele origin: germline.

Illumina Laboratory Services, Illumina
Classification: Uncertain significance for Meckel syndrome, type 1. Last evaluated: 2018-01-12. Review status: criteria provided, single submitter. Criteria: ICSL Variant Classification Criteria 13 December 2019. Collection method: clinical testing. Allele origin: germline.

Illumina Laboratory Services, Illumina
Classification: Uncertain significance for Bardet-Biedl syndrome 13. Last evaluated: 2018-01-12. Review status: criteria provided, single submitter. Criteria: ICSL Variant Classification Criteria 13 December 2019. Collection method: clinical testing. Allele origin: germline.

PreventionGenetics, part of Exact Sciences
Classification: Likely benign for MKS1-related condition. Last evaluated: 2023-05-16. Review status: no assertion criteria provided. Collection method: clinical testing. Allele origin: germline. Not counted in ClinVar's aggregate classification.
Comment: This variant is classified as likely benign based on ACMG/AMP sequence variant interpretation guidelines (Richards et al. 2015 PMID: 25741868, with internal and published modifications).

NM_017777.4(MKS1):c.102A>G (p.Thr34=)

Gene: MKS1 (MKS transition zone complex subunit 1; minus strand). Cytogenetic location: 17q22.
Variant type: single nucleotide variant.
Coding change: c.102A>G on transcript NM_017777.4 (MANE Select); coding-DNA position 102, A replaced by G.
Protein change: p.Thr34=; no amino-acid change (threonine 34 retained).
Molecular consequence: synonymous variant. On other transcripts: 5 prime UTR variant (1).
Genome position (GRCh38, 1-based): chr17:58,218,708, T>C on the plus strand (A>G on the coding strand, the complement: MKS1 is on the minus strand). VCF-style: chr17-58218708-T-C. GRCh37 (hg19) VCF-style: chr17-56296069-T-C.
Other names: c.-410A>G (NM_001321268.2); c.102A>G, p.Thr34= (NM_001321269.2, NM_001330397.2).
Identifiers: ClinVar variation 324169 (VCV000324169.16), dbSNP rs886053171, ClinGen allele CA10646202.
Genomic context (GRCh38, chr17:58,218,708, plus strand): 5'-CAAGTCTATGAGGTCCTTCCCGAGCTCGGCAGCAGGCTGATAATGAAGAAAGTTGCTTGA[T>C]GTGATTCTTTGCAGGTGGACTCTGTCAAGAAAAGCCCAAAATATTCGTTACCAGACACGC-3'
Protein context (NP_060247.2, residues 24-44): LRLRVHLQRI[Thr34=]SSNFLHYQPA